The following is an entry in ClinVar:

NM_001146.5(ANGPT1):c.796A>G (p.Thr266Ala)

Gene: ANGPT1 (angiopoietin 1; minus strand). Cytogenetic location: 8q23.1.
Variant type: single nucleotide variant.
Coding change: c.796A>G on transcript NM_001146.5 (MANE Select); coding-DNA position 796, A replaced by G.
Protein change: p.Thr266Ala; replaces threonine 266 with alanine.
Molecular consequence: missense variant.
Genome position (GRCh38, 1-based): chr8:107,321,908, T>C on the plus strand (A>G on the coding strand, the complement: ANGPT1 is on the minus strand). VCF-style: chr8-107321908-T-C. GRCh37 (hg19) VCF-style: chr8-108334136-T-C.
Other names: c.796A>G, p.Thr266Ala (NM_001199859.3); c.196A>G, p.Thr66Ala (NM_001314051.2); short protein forms T266A, T66A.
Identifiers: ClinVar variation 3061271 (VCV003061271.2), dbSNP rs2488251536, ClinGen allele CA372033578.

ClinVar aggregate classification (germline): Uncertain significance (0 of 4 stars; one submission).

Conditions:
ANGPT1-related disorder. Also called: ANGPT1-related condition.

Submission:

PreventionGenetics, part of Exact Sciences
Classification: Uncertain significance for ANGPT1-related condition. Last evaluated: 2024-02-21. Review status: no assertion criteria provided. Collection method: clinical testing. Allele origin: germline.
Comment: The ANGPT1 c.796A>G variant is predicted to result in the amino acid substitution p.Thr266Ala. To our knowledge, this variant has not been reported in the literature or in a large population database, indicating this variant is rare. At this time, the clinical significance of this variant is uncertain due to the absence of conclusive functional and genetic evidence.